The following is an entry in ClinVar:

NM_152468.5(TMC8):c.1976C>T (p.Pro659Leu)

Gene: TMC8 (transmembrane channel like 8; plus strand). Cytogenetic location: 17q25.3.
Variant type: single nucleotide variant.
Coding change: c.1976C>T on transcript NM_152468.5 (MANE Select); coding-DNA position 1976, C replaced by T.
Protein change: p.Pro659Leu; replaces proline 659 with leucine.
Molecular consequence: missense variant.
Genome position (GRCh38, 1-based): chr17:78,140,907, C>T. VCF-style: chr17-78140907-C-T. GRCh37 (hg19) VCF-style: chr17-76136988-C-T.
Other names: short protein forms P659L.
Identifiers: ClinVar variation 1931021 (VCV001931021.5), dbSNP rs781468738, ClinGen allele CA8797109.

ClinVar aggregate classification (germline): Uncertain significance (1 of 4 stars; one submission).

Conditions:
Epidermodysplasia verruciformis. Identifiers: Orphanet 302, MedGen C0014522, MONDO:0009176.

Allele frequency attached by ClinVar (database versions not stated): gnomAD exomes 0.00001; ExAC 0.00003.

Submission:

Labcorp Genetics (formerly Invitae), Labcorp
Classification: Uncertain significance for Epidermodysplasia verruciformis. Last evaluated: 2022-06-26. Review status: criteria provided, single submitter. Criteria: Invitae Variant Classification Sherloc (09022015). Collection method: clinical testing. Allele origin: germline.
Comment: This sequence change replaces proline, which is neutral and non-polar, with leucine, which is neutral and non-polar, at codon 659 of the TMC8 protein (p.Pro659Leu). The frequency data for this variant in the population databases is considered unreliable, as metrics indicate poor data quality at this position in the gnomAD database. This variant has not been reported in the literature in individuals affected with TMC8-related conditions. Algorithms developed to predict the effect of missense changes on protein structure and function output the following: SIFT: "Tolerated"; PolyPhen-2: "Benign"; Align-GVGD: "Class C0". The leucine amino acid residue is found in multiple mammalian species, which suggests that this missense change does not adversely affect protein function. In summary, the available evidence is currently insufficient to determine the role of this variant in disease. Therefore, it has been classified as a Variant of Uncertain Significance.